The following is an entry in ClinVar:

ClinVar aggregate classification (germline): Uncertain significance (1 of 4 stars; one submission).

Allele frequency attached by ClinVar (database versions not stated): gnomAD exomes 0.00002; ESP Exome Variant Server 0.00008; TOPMed 0.00017; ExAC 0.00003; gnomAD 0.00011.
gnomAD v4.1: 49 of 1,605,614 alleles (0.0031%); highest among the groups gnomAD compares: African/African-American, 0.047%; no homozygotes.

Submission:

Labcorp Genetics (formerly Invitae), Labcorp
Classification: Uncertain significance. Last evaluated: 2025-10-13. Review status: criteria provided, single submitter. Criteria: Invitae Variant Classification Sherloc (09022015). Collection method: clinical testing. Allele origin: germline.
Comment: This sequence change replaces alanine, which is neutral and non-polar, with valine, which is neutral and non-polar, at codon 212 of the PMPCA protein (p.Ala212Val). This variant is present in population databases (rs201344036, gnomAD 0.05%). This variant has not been reported in the literature in individuals affected with PMPCA-related conditions. ClinVar contains an entry for this variant (Variation ID: 2721119). An algorithm developed to predict the effect of missense changes on protein structure and function (PolyPhen-2) suggests that this variant is likely to be disruptive. In summary, the available evidence is currently insufficient to determine the role of this variant in disease. Therefore, it has been classified as a Variant of Uncertain Significance.

NM_015160.3(PMPCA):c.635C>T (p.Ala212Val)

Genes: PMPCA (peptidase, mitochondrial processing subunit alpha; plus strand), LOC126860792 (CDK7 strongly-dependent group 2 enhancer GRCh37_chr9:139310410-139311609; plus strand). Cytogenetic location: 9q34.3.
Variant type: single nucleotide variant.
Coding change: c.635C>T on transcript NM_015160.3 (MANE Select); coding-DNA position 635, C replaced by T.
Protein change: p.Ala212Val; replaces alanine 212 with valine.
Molecular consequence: missense variant.
Genome position (GRCh38, 1-based): chr9:136,416,952, C>T. VCF-style: chr9-136416952-C-T. GRCh37 (hg19) VCF-style: chr9-139311404-C-T.
Other names: c.242C>T, p.Ala81Val (NM_001282944.2); c.335C>T, p.Ala112Val (NM_001282946.2); short protein forms A212V, A112V, A81V.
Identifiers: ClinVar variation 2721119 (VCV002721119.3), dbSNP rs201344036, ClinGen allele CA5336110.